The following is an entry in ClinVar:

ClinVar aggregate classification (germline): Uncertain significance (1 of 4 stars; one submission).

Submission:

GeneDx
Classification: Uncertain significance. Last evaluated: 2022-06-09. Review status: criteria provided, single submitter. Criteria: GeneDx Variant Classification Process June 2021. Collection method: clinical testing. Allele origin: germline. Affected: yes.
Comment: Not observed at significant frequency in large population cohorts (gnomAD); In silico analysis supports that this missense variant has a deleterious effect on protein structure/function; Has not been previously published as pathogenic or benign to our knowledge

NM_001393769.1(MED12L):c.3751G>C (p.Asp1251His)

Genes: MED12L (mediator complex subunit 12L; plus strand), P2RY12 (purinergic receptor P2Y12; minus strand). Cytogenetic location: 3q25.1.
Variant type: single nucleotide variant.
Coding change: c.3751G>C on transcript NM_001393769.1 (MANE Select); coding-DNA position 3751, G replaced by C.
Protein change: p.Asp1251His; replaces aspartic acid 1251 with histidine.
Molecular consequence: missense variant. On other transcripts: intron variant (1).
Genome position (GRCh38, 1-based): chr3:151,372,653, G>C. VCF-style: chr3-151372653-G-C. GRCh37 (hg19) VCF-style: chr3-151090441-G-C.
Other names: c.3646G>C, p.Asp1216His (NM_053002.6); c.-180+12039C>G (NM_022788.5); short protein forms D1216H, D1251H.
Identifiers: ClinVar variation 1803464 (VCV001803464.1), dbSNP rs2473795119, ClinGen allele CA354971673.